The following is an entry in ClinVar:

ClinVar aggregate classification (germline): Uncertain significance (1 of 4 stars; one submission).

Submission:

GeneDx
Classification: Uncertain significance. Last evaluated: 2026-02-04. Review status: criteria provided, single submitter. Criteria: GeneDx Variant Classification Process June 2021. Collection method: clinical testing. Allele origin: germline.
Comment: Not observed at significant frequency in large population cohorts (gnomAD); Nonsense variant predicted to result in protein truncation as the last 51 amino acid(s) are lost; Has not been previously published as pathogenic or benign to our knowledge

NM_001466.4(FZD2):c.1544C>A (p.Ser515Ter)

Gene: FZD2 (frizzled class receptor 2; plus strand). Cytogenetic location: 17q21.31.
Variant type: single nucleotide variant.
Coding change: c.1544C>A on transcript NM_001466.4 (MANE Select); coding-DNA position 1544, C replaced by A.
Protein change: p.Ser515Ter; replaces serine 515 with a stop codon.
Molecular consequence: nonsense.
Genome position (GRCh38, 1-based): chr17:44,559,232, C>A. VCF-style: chr17-44559232-C-A. GRCh37 (hg19) VCF-style: chr17-42636600-C-A.
Other names: short protein forms S515*.
Identifiers: ClinVar variation 4976075 (VCV004976075.1).